The following is an entry in ClinVar:

Single allele

Genes: FAM120C (family with sequence similarity 120 member C; minus strand), FGD1 (FYVE, RhoGEF and PH domain containing 1; minus strand), GNL3L (G protein nucleolar 3 like; plus strand), PHF8 (PHD finger protein 8; minus strand), TSR2 (TSR2 ribosome maturation factor; plus strand) and 1 more. Cytogenetic location: Xp11.22.
Variant type: Duplication.
Identifiers: ClinVar variation 2671606 (VCV002671606.1).

ClinVar aggregate classification (germline): Uncertain significance (1 of 4 stars; one submission).

Submission:

Illumina Laboratory Services, Illumina
Classification: Uncertain significance. Last evaluated: 2023-05-24. Review status: criteria provided, single submitter. Criteria: ICSL CNVClassificationCriteria Aug2020. Collection method: clinical testing. Allele origin: unknown.
Comment: This CNV is a 609 kb duplication of Xp11.22 on chromosome X, (seq[GRCh37]dup(X)(Xp11.22); NC_000023.10:g.54054624_54663870dup). This CNV encompasses the following six protein coding genes: FAM120C, FGD1, GNL3L, TSR2, WNK3, PHF8. The breakpoints lie within intron 2 of PHF8 and in an intergenic region. Loss of function variants in PHF8 are associated with an X-linked neurodevelopmental disorder in which males show a spectrum of developmental delay, speech delay, intellectual disability, and variable craniofacial features (PMID: 35469323). Duplications of a similar size and location to this event have been reported in individuals with variable features and have not been reported in controls (PMID: 19344873). This event also fully encompasses FGD1, a gene in which loss of function variants are associated with X-linked Aarskog-Scott syndrome. Based on the available evidence, this CNV is classified as a variant of uncertain significance.